The following is an entry in ClinVar:

NM_022124.6(CDH23):c.9978C>T (p.Asn3326=)

Gene: CDH23 (cadherin related 23; plus strand). Cytogenetic location: 10q22.1.
Variant type: single nucleotide variant.
Coding change: c.9978C>T on transcript NM_022124.6 (MANE Select); coding-DNA position 9978, C replaced by T.
Protein change: p.Asn3326=; no amino-acid change (asparagine 3326 retained).
Molecular consequence: synonymous variant.
Genome position (GRCh38, 1-based): chr10:71,815,191, C>T. VCF-style: chr10-71815191-C-T. GRCh37 (hg19) VCF-style: chr10-73574948-C-T.
Other names: p.Asn3326=; c.3258C>T, p.Asn1086= (NM_001171933.1); c.3153C>T, p.Asn1051= (NM_001171934.1); c.669C>T, p.Asn223= (NM_001171935.1); c.564C>T, p.Asn188= (NM_001171936.1).
Identifiers: ClinVar variation 46082 (VCV000046082.22), dbSNP rs73277900, ClinGen allele CA137653.

ClinVar aggregate classification (germline): Benign/Likely benign. Review status: criteria provided, multiple submitters, no conflicts (2 of 4 stars). 8 submissions from 7 submitters: Benign (5); Likely benign (2). 1 of the submissions does not count toward it. Last evaluated 2026-02-04.

Conditions:
Usher syndrome type 1 (USH1). Also called: RETINITIS PIGMENTOSA AND CONGENITAL DEAFNESS. Identifiers: Orphanet 231169, Orphanet 886, MedGen C1568247, MONDO:0010168, OMIM 276900.
Autosomal recessive nonsyndromic hearing loss 12. Also called: DEAFNESS, AUTOSOMAL RECESSIVE 12. Identifiers: Orphanet 90636, MedGen C1832394, MONDO:0011067, OMIM 601386.
Usher syndrome type 1D (USH1D). Also called: USHER SYNDROME, TYPE ID. Identifiers: Orphanet 231169, Orphanet 886, MedGen C1832845, MONDO:0010984, OMIM 601067.

Allele frequency attached by ClinVar (database versions not stated): ExAC 0.00596; gnomAD 0.01913 and 0.02056; ESP Exome Variant Server 0.02052; 1000 Genomes Project 0.02117; TOPMed 0.02143; 1000 Genomes Project 30x 0.02405; gnomAD exomes 0.00194 and 0.00476.
gnomAD v4.1: 5,843 of 1,608,924 alleles (0.36%); highest among the groups gnomAD compares: African/African-American, 6.6%; 166 homozygotes.

Submissions (8):

Labcorp Genetics (formerly Invitae), Labcorp
Classification: Benign. Last evaluated: 2026-02-04. Review status: criteria provided, single submitter. Criteria: Invitae Variant Classification Sherloc (09022015). Collection method: clinical testing. Allele origin: germline.

Mayo Clinic Laboratories, Mayo Clinic
Classification: Benign. Last evaluated: 2022-04-17. Review status: criteria provided, single submitter. Criteria: ACMG Guidelines, 2015. Collection method: clinical testing. Allele origin: germline. Observed: 4 variant alleles.

Illumina Laboratory Services, Illumina
Classification: Likely benign for Autosomal recessive nonsyndromic hearing loss 12. Last evaluated: 2017-04-27. Review status: criteria provided, single submitter. Criteria: ICSL Variant Classification Criteria 13 December 2019. Collection method: clinical testing. Allele origin: germline.
Comment: This variant was observed as part of a predisposition screen in an ostensibly healthy population. A literature search was performed for the gene, cDNA change, and amino acid change (where applicable). No publications were found based on this search. Allele frequency data from public databases allowed determination this variant is unlikely to cause disease. Therefore, this variant is classified as likely benign.

Illumina Laboratory Services, Illumina
Classification: Benign for Usher syndrome type 1D. Last evaluated: 2017-04-27. Review status: criteria provided, single submitter. Criteria: ICSL Variant Classification Criteria 13 December 2019. Collection method: clinical testing. Allele origin: germline.
Comment: This variant was observed as part of a predisposition screen in an ostensibly healthy population. A literature search was performed for the gene, cDNA change, and amino acid change (where applicable). No publications were found based on this search. Allele frequency data from public databases was too high to be consistent with this variant causing disease. Therefore, this variant is classified as benign.

GeneDx
Classification: Benign. Last evaluated: 2017-03-16. Review status: criteria provided, single submitter. Criteria: GeneDx Variant Classification (06012015). Collection method: clinical testing. Allele origin: germline. Affected: yes.
Comment: This variant is considered likely benign or benign based on one or more of the following criteria: it is a conservative change, it occurs at a poorly conserved position in the protein, it is predicted to be benign by multiple in silico algorithms, and/or has population frequency not consistent with disease.

Laboratory for Molecular Medicine, Mass General Brigham Personalized Medicine
Classification: Benign. Last evaluated: 2011-01-10. Review status: criteria provided, single submitter. Criteria: LMM Criteria. Collection method: clinical testing. Allele origin: germline. Observed: 36 variant alleles.
Comment: Asn3326Asn in exon 70 of CDH23: This variant is not expected to have clinical si gnificance because it does not alter an amino acid residue, is not located near a splice junction, was identified in 4/50 (8%) Black individuals (rs73277900), a nd is predicted to be a benign polymorphism in the UMD database.

Breakthrough Genomics
Classification: Likely benign. Review status: criteria provided, single submitter. Criteria: ACMG Guidelines, 2015. Collection method: not provided. Allele origin: germline. Inheritance: Autosomal recessive inheritance. Affected: yes.

Natera, Inc.
Classification: Benign for Usher syndrome type 1. Last evaluated: 2020-09-16. Review status: no assertion criteria provided. Collection method: clinical testing. Allele origin: germline. Not counted in ClinVar's aggregate classification.